The following is an entry in ClinVar:

NM_005076.5(CNTN2):c.1949C>T (p.Ala650Val)

Gene: CNTN2 (contactin 2; plus strand). Cytogenetic location: 1q32.1.
Variant type: single nucleotide variant.
Coding change: c.1949C>T on transcript NM_005076.5 (MANE Select); coding-DNA position 1949, C replaced by T.
Protein change: p.Ala650Val; replaces alanine 650 with valine.
Molecular consequence: missense variant. On other transcripts: non-coding transcript variant (1).
Genome position (GRCh38, 1-based): chr1:205,066,573, C>T. VCF-style: chr1-205066573-C-T. GRCh37 (hg19) VCF-style: chr1-205035701-C-T.
Other names: c.1949C>T, p.Ala650Val (NM_001346083.2); short protein forms A650V.
Identifiers: ClinVar variation 1422570 (VCV001422570.8), dbSNP rs1398781322, ClinGen allele CA344376481.

ClinVar aggregate classification (germline): Uncertain significance (1 of 4 stars; one submission).

Conditions:
Epilepsy, familial adult myoclonic, 5 (EPEO5). Also called: CORTICAL MYOCLONIC TREMOR WITH EPILEPSY, FAMILIAL, 5. Identifiers: Orphanet 86814, MedGen C3809374, MONDO:0014167, OMIM 615400.

Allele frequency attached by ClinVar (database versions not stated): gnomAD exomes below 0.00001; TOPMed 0.00001.
gnomAD v4.1: 1 of 1,614,038 alleles (0.000062%); highest among the groups gnomAD compares: Non-Finnish European, 0.000085%; no homozygotes.

Submission:

Labcorp Genetics (formerly Invitae), Labcorp
Classification: Uncertain significance for Epilepsy, familial adult myoclonic, 5. Last evaluated: 2022-06-13. Review status: criteria provided, single submitter. Criteria: Invitae Variant Classification Sherloc (09022015). Collection method: clinical testing. Allele origin: germline.
Comment: In summary, the available evidence is currently insufficient to determine the role of this variant in disease. Therefore, it has been classified as a Variant of Uncertain Significance. Advanced modeling of protein sequence and biophysical properties (such as structural, functional, and spatial information, amino acid conservation, physicochemical variation, residue mobility, and thermodynamic stability) performed at Invitae indicates that this missense variant is not expected to disrupt CNTN2 protein function. This variant has not been reported in the literature in individuals affected with CNTN2-related conditions. This variant is not present in population databases (gnomAD no frequency). This sequence change replaces alanine, which is neutral and non-polar, with valine, which is neutral and non-polar, at codon 650 of the CNTN2 protein (p.Ala650Val).